The following is an entry in ClinVar:

ClinVar aggregate classification (germline): Uncertain significance. Review status: criteria provided, multiple submitters, no conflicts (2 of 4 stars). 2 submissions from 2 submitters: Uncertain significance (2). Last evaluated 2026-07-30.

Conditions:
TTN-related disorder. Also called: TTN-related disorders; TTN-related condition; TTN-related disease.

gnomAD v4.1: 37 of 1,613,296 alleles (0.0023%); highest among the groups gnomAD compares: Non-Finnish European, 0.0031%; no homozygotes.

Submissions (2):

PreventionGenetics, part of Exact Sciences
Classification: Uncertain significance for TTN-related condition. Last evaluated: 2026-07-30. Review status: criteria provided, single submitter. Criteria: ACMG Guidelines, 2015. Collection method: clinical testing. Allele origin: germline.
Comment: The TTN c.18230C>A variant is predicted to result in the amino acid substitution p.Thr6077Asn. To our knowledge, this variant has not been reported in the literature. This variant is reported in 0.0018% of alleles in individuals of European (Non-Finnish) descent in gnomAD. At this time, the clinical significance of this variant is uncertain due to the absence of conclusive functional and genetic evidence.

GeneDx
Classification: Uncertain significance. Last evaluated: 2024-10-08. Review status: criteria provided, single submitter. Criteria: GeneDx Variant Classification Process June 2021. Collection method: clinical testing. Allele origin: germline. Affected: yes.
Comment: Not observed at significant frequency in large population cohorts (gnomAD); Missense variant in a gene in which most reported pathogenic variants are truncating/loss of function; Has not been previously published as pathogenic or benign to our knowledge

NM_001267550.2(TTN):c.18230C>A (p.Thr6077Asn)

Genes: TTN (titin; minus strand), LOC126806430 (BRD4-independent group 4 enhancer GRCh37_chr2:179593794-179594993; plus strand). Cytogenetic location: 2q31.2.
Variant type: single nucleotide variant.
Coding change: c.18230C>A on transcript NM_001267550.2 (MANE Select); coding-DNA position 18230, C replaced by A.
Protein change: p.Thr6077Asn; replaces threonine 6077 with asparagine.
Molecular consequence: missense variant. On other transcripts: intron variant (3).
Genome position (GRCh38, 1-based): chr2:178,730,170, G>T on the plus strand (C>A on the coding strand, the complement: TTN is on the minus strand). VCF-style: chr2-178730170-G-T. GRCh37 (hg19) VCF-style: chr2-179594897-G-T.
Other names: c.14498C>A, p.Thr4833Asn (NM_133378.4); c.13282+7912C>A (NM_003319.4); c.13858+7912C>A (NM_133437.4); c.13657+7912C>A (NM_133432.3); c.17279C>A, p.Thr5760Asn (NM_001256850.1); short protein forms T4833N, T5760N, T6077N.
Identifiers: ClinVar variation 3777369 (VCV003777369.2).
Genomic context (GRCh38, chr2:178,730,170, plus strand): 5'-GCTTTGCTGGTTGCTGTGCCAACATCATTGCTTAGTTGGCAAATGTAGGTTCCAGAATCG[G>T]TAGCTTTGGCTGCAAAGAGCTCTAGACTGGTAGAGGTGTCATCCTTCCAAACTGAGCGGG-3'
Protein context (NP_001254479.2, residues 6067-6087): TSLELFAAKA[Thr6077Asn]DSGTYICQLS